The following is an entry in ClinVar:

NM_006516.4(SLC2A1):c.635G>A (p.Arg212His)

Gene: SLC2A1 (solute carrier family 2 member 1; minus strand). Cytogenetic location: 1p34.2.
Variant type: single nucleotide variant.
Coding change: c.635G>A on transcript NM_006516.4 (MANE Select); coding-DNA position 635, G replaced by A.
Protein change: p.Arg212His; replaces arginine 212 with histidine.
Molecular consequence: missense variant.
Genome position (GRCh38, 1-based): chr1:42,929,917, C>T on the plus strand (G>A on the coding strand, the complement: SLC2A1 is on the minus strand). VCF-style: chr1-42929917-C-T. GRCh37 (hg19) VCF-style: chr1-43395588-C-T.
Other names: short protein forms R212H.
Identifiers: ClinVar variation 265386 (VCV000265386.58), dbSNP rs886039517, ClinGen allele CA10588297.

ClinVar aggregate classification (germline): Pathogenic/Likely pathogenic. Review status: criteria provided, multiple submitters, no conflicts (2 of 4 stars). 7 submissions from 7 submitters: Pathogenic (4); Likely pathogenic (3). Last evaluated 2026-10-14.

Conditions:
Encephalopathy due to GLUT1 deficiency. Also called: GLUCOSE TRANSPORT DEFECT, BLOOD-BRAIN BARRIER; Classic Glucose Transporter Type 1 Deficiency Syndrome; GLUT1 deficiency syndrome 1; Glucose transporter protein syndrome; De Vivo disease; GLUT1 deficiency syndrome 1, infantile onset, severe. Identifiers: Orphanet 71277, MedGen C4551966, MONDO:0011724, OMIM 606777.
GLUT1 deficiency syndrome 1, autosomal recessive. Identifiers: MedGen C3149117.
Seizure. Also called: Seizures. Identifiers: MedGen C0036572, HP:0001250.

Submissions (7):

GeneDx
Classification: Likely pathogenic. Last evaluated: 2026-10-14. Review status: criteria provided, single submitter. Criteria: GeneDx Variant Classification Process June 2021. Collection method: clinical testing. Allele origin: germline.
Comment: Not observed at significant frequency in large population cohorts (gnomAD); In silico analysis supports that this missense variant has a deleterious effect on protein structure/function; This variant is associated with the following publications: (PMID: 24847886, 20129935, 33391346, 16217704, 18479384, 33163569, 35328965)

Labcorp Genetics (formerly Invitae), Labcorp
Classification: Pathogenic for GLUT1 deficiency syndrome 1, autosomal recessive. Last evaluated: 2025-10-29. Review status: criteria provided, single submitter. Criteria: Invitae Variant Classification Sherloc (09022015). Collection method: clinical testing. Allele origin: germline.
Comment: This sequence change replaces arginine, which is basic and polar, with histidine, which is basic and polar, at codon 212 of the SLC2A1 protein (p.Arg212His). This variant is not present in population databases (gnomAD no frequency). This missense change has been observed in individual(s) with autosomal dominant glucose transporter-1 deficiency syndrome (PMID: 16217704, 20129935). ClinVar contains an entry for this variant (Variation ID: 265386). Invitae Evidence Modeling of protein sequence and biophysical properties (such as structural, functional, and spatial information, amino acid conservation, physicochemical variation, residue mobility, and thermodynamic stability) indicates that this missense variant is expected to disrupt SLC2A1 protein function with a positive predictive value of 95%. This variant disrupts the p.Arg212 amino acid residue in SLC2A1. Other variant(s) that disrupt this residue have been determined to be pathogenic (PMID: 20129935, 21832227, 22622956, 26982753). This suggests that this residue is clinically significant, and that variants that disrupt this residue are likely to be disease-causing. For these reasons, this variant has been classified as Pathogenic.

3billion
Classification: Pathogenic for Encephalopathy due to GLUT1 deficiency. Last evaluated: 2025-10-03. Review status: criteria provided, single submitter. Criteria: ACMG Guidelines, 2015. Collection method: clinical testing. Allele origin: germline. Affected: yes.
Comment: The variant is not observed in the gnomAD v4.1.0 dataset. Predicted Consequence/Location: Missense variant In silico tool predictions suggest damaging effect of the variant on gene or gene product [REVEL: 0.86 (>=0.6, sensitivity 0.68 and specificity 0.92); 3Cnet: 0.78 (> 0.75, sensitivity 0.96 and precision 0.92)]. The same nucleotide change resulting in the same amino acid change has been previously reported as pathogenic/likely pathogenic with strong evidence (ClinVar ID: VCV000265386 /PMID: 16217704). The variant has been observed in at least two similarly affected unrelated individuals (PMID: 16217704, 20129935). A different missense change at the same codon (p.Arg212Cys) have been reported as pathogenic/likely pathogenic with strong evidence (ClinVar ID: VCV000037300 /PMID: 20129935). Therefore, this variant is classified as Pathogenic according to the recommendation of ACMG/AMP guideline.

Cytogénomique, Hospices Civils de Lyon
Classification: Pathogenic for seizures. Last evaluated: 2023-04-24. Review status: criteria provided, single submitter. Criteria: ACMG Guidelines, 2015. Collection method: clinical testing. Allele origin: unknown. Affected: yes.

Genome-Nilou Lab
Classification: Likely pathogenic for Encephalopathy due to GLUT1 deficiency. Last evaluated: 2023-04-11. Review status: criteria provided, single submitter. Criteria: ACMG Guidelines, 2015. Collection method: clinical testing. Allele origin: germline. Affected: no.

CeGaT Center for Human Genetics Tuebingen
Classification: Pathogenic. Last evaluated: 2021-06-01. Review status: criteria provided, single submitter. Criteria: CeGaT Center For Human Genetics Tuebingen Variant Classification Criteria Version 2. Collection method: clinical testing. Allele origin: germline. Affected: yes. Observed: 3 variant alleles.

Institute of Human Genetics, University of Leipzig Medical Center
Classification: Likely pathogenic for Encephalopathy due to GLUT1 deficiency. Last evaluated: 2019-06-25. Review status: criteria provided, single submitter. Criteria: ACMG Guidelines, 2015. Collection method: clinical testing. Allele origin: germline. Affected: yes. Observed: 1 variant allele.

Literature cited by the submitters: PubMed 16217704 (cited by Labcorp Genetics (formerly Invitae), Labcorp and 3billion); PubMed 20129935 (cited by Labcorp Genetics (formerly Invitae), Labcorp and 3billion); PubMed 21832227 (cited by Labcorp Genetics (formerly Invitae), Labcorp); PubMed 22622956 (cited by Labcorp Genetics (formerly Invitae), Labcorp); PubMed 26982753 (cited by Labcorp Genetics (formerly Invitae), Labcorp).